The following is an entry in ClinVar:

ClinVar aggregate classification (germline): Uncertain significance. Review status: criteria provided, multiple submitters, no conflicts (2 of 4 stars). 3 submissions from 3 submitters: Uncertain significance (2). 1 of the submissions does not count toward it. Last evaluated 2025-05-13.

Conditions:
Hereditary cancer-predisposing syndrome. Also called: Tumor predisposition; Neoplastic Syndromes, Hereditary; Hereditary Cancer Syndrome; Hereditary neoplastic syndrome. Identifiers: Orphanet 140162, MedGen C0027672, MeSH D009386, MONDO:0015356.
Ataxia-telangiectasia syndrome (AT). Also called: Ataxia-telangiectasia; LOUIS-BAR SYNDROME; Ataxia-telangiectasia, complementation group D; AT, COMPLEMENTATION GROUP C; ATAXIA-TELANGIECTASIA, COMPLEMENTATION GROUP A; ATAXIA-TELANGIECTASIA, FRESNO VARIANT. Identifiers: Orphanet 100, MedGen C0004135, MONDO:0008840, OMIM 208900.

gnomAD v4.1: 2 of 1,599,912 alleles (0.00013%); highest among the groups gnomAD compares: South Asian, 0.0011%; no homozygotes.

Submissions (3):

Ambry Genetics
Classification: Uncertain significance for Hereditary cancer-predisposing syndrome. Last evaluated: 2025-05-13. Review status: criteria provided, single submitter. Criteria: Ambry Variant Classification Scheme 2023. Collection method: clinical testing. Allele origin: germline.
Comment: The p.H2887Y variant (also known as c.8659C>T), located in coding exon 58 of the ATM gene, results from a C to T substitution at nucleotide position 8659. The histidine at codon 2887 is replaced by tyrosine, an amino acid with similar properties. This amino acid position is highly conserved in available vertebrate species. In addition, this alteration is predicted to be deleterious by in silico analysis. Based on the available evidence, the clinical significance of this variant remains unclear.

Labcorp Genetics (formerly Invitae), Labcorp
Classification: Uncertain significance for Ataxia-telangiectasia syndrome. Last evaluated: 2021-05-28. Review status: criteria provided, single submitter. Criteria: Invitae Variant Classification Sherloc (09022015). Collection method: clinical testing. Allele origin: germline.
Comment: In summary, the available evidence is currently insufficient to determine the role of this variant in disease. Therefore, it has been classified as a Variant of Uncertain Significance. Advanced modeling of protein sequence and biophysical properties (such as structural, functional, and spatial information, amino acid conservation, physicochemical variation, residue mobility, and thermodynamic stability) performed at Invitae indicates that this missense variant is expected to disrupt ATM protein function. This variant has not been reported in the literature in individuals with ATM-related conditions. This variant is not present in population databases (ExAC no frequency). This sequence change replaces histidine with tyrosine at codon 2887 of the ATM protein (p.His2887Tyr). The histidine residue is highly conserved and there is a moderate physicochemical difference between histidine and tyrosine.

Natera, Inc.
Classification: Uncertain significance for Ataxia-telangiectasia. Last evaluated: 2025-05-21. Review status: no assertion criteria provided. Collection method: clinical testing. Allele origin: germline. Not counted in ClinVar's aggregate classification.

NM_000051.4(ATM):c.8659C>T (p.His2887Tyr)

Genes: ATM (ATM serine/threonine kinase; plus strand), C11orf65 (chromosome 11 open reading frame 65; minus strand). Cytogenetic location: 11q22.3.
Variant type: single nucleotide variant.
Coding change: c.8659C>T on transcript NM_000051.4 (MANE Select); coding-DNA position 8659, C replaced by T.
Protein change: p.His2887Tyr; replaces histidine 2887 with tyrosine.
Molecular consequence: missense variant. On other transcripts: intron variant (2).
Genome position (GRCh38, 1-based): chr11:108,347,353, C>T. VCF-style: chr11-108347353-C-T. GRCh37 (hg19) VCF-style: chr11-108218080-C-T.
Other names: c.8659C>T, p.His2887Tyr (NM_001351834.2); c.641-38282G>A (NM_001330368.2); c.695-12061G>A (NM_001351110.2); short protein forms H2887Y.
Identifiers: ClinVar variation 1353423 (VCV001353423.9), dbSNP rs1591274530, ClinGen allele CA382521203.
Genomic context (GRCh38, chr11:108,347,353, plus strand): 5'-GGACTTGGTGATAGACATGTACAGAATATCTTGATAAATGAGCAGTCAGCAGAACTTGTA[C>T]ATATAGATCTAGGTAAGTAATAAAATCTATGTATCTATTCTTTTTAGTAAATATTTGGTC-3'
Protein context (NP_000042.3, residues 2877-2897): LINEQSAELV[His2887Tyr]IDLGVAFEQG